The following is an entry in ClinVar:

ClinVar aggregate classification (germline): Uncertain significance (1 of 4 stars; one submission).

Allele frequency attached by ClinVar (database versions not stated): gnomAD exomes below 0.00001; TOPMed below 0.00001; gnomAD 0.00001.
gnomAD v4.1: 5 of 1,614,066 alleles (0.00031%); highest among the groups gnomAD compares: African/African-American, 0.004%; no homozygotes.

Submission:

Labcorp Genetics (formerly Invitae), Labcorp
Classification: Uncertain significance. Last evaluated: 2022-05-10. Review status: criteria provided, single submitter. Criteria: Invitae Variant Classification Sherloc (09022015). Collection method: clinical testing. Allele origin: germline.
Comment: This variant has not been reported in the literature in individuals affected with MYO5B-related conditions. In summary, the available evidence is currently insufficient to determine the role of this variant in disease. Therefore, it has been classified as a Variant of Uncertain Significance. Algorithms developed to predict the effect of missense changes on protein structure and function are either unavailable or do not agree on the potential impact of this missense change (SIFT: "Deleterious"; PolyPhen-2: "Benign"; Align-GVGD: "Class C0"). This variant is present in population databases (no rsID available, gnomAD 0.0009%). This sequence change replaces isoleucine, which is neutral and non-polar, with threonine, which is neutral and polar, at codon 52 of the MYO5B protein (p.Ile52Thr).

NM_001080467.3(MYO5B):c.155T>C (p.Ile52Thr)

Gene: MYO5B (myosin VB; minus strand). Cytogenetic location: 18q21.1.
Variant type: single nucleotide variant.
Coding change: c.155T>C on transcript NM_001080467.3 (MANE Select); coding-DNA position 155, T replaced by C.
Protein change: p.Ile52Thr; replaces isoleucine 52 with threonine.
Molecular consequence: missense variant.
Genome position (GRCh38, 1-based): chr18:50,040,298, A>G on the plus strand (T>C on the coding strand, the complement: MYO5B is on the minus strand). VCF-style: chr18-50040298-A-G. GRCh37 (hg19) VCF-style: chr18-47566668-A-G.
Other names: short protein forms I52T.
Identifiers: ClinVar variation 2118894 (VCV002118894.4), dbSNP rs1358247866, ClinGen allele CA402510510.